The following is an entry in ClinVar:

ClinVar aggregate classification (germline): Uncertain significance (1 of 4 stars; one submission).

Conditions:
Hereditary cancer-predisposing syndrome. Also called: Neoplastic Syndromes, Hereditary; Tumor predisposition; Hereditary Cancer Syndrome; Hereditary neoplastic syndrome. Identifiers: Orphanet 140162, MedGen C0027672, MeSH D009386, MONDO:0015356.

Submission:

Ambry Genetics
Classification: Uncertain significance for Hereditary cancer-predisposing syndrome. Last evaluated: 2025-08-01. Review status: criteria provided, single submitter. Criteria: Ambry Variant Classification Scheme 2023. Collection method: clinical testing. Allele origin: germline.
Comment: The p.D559A variant (also known as c.1676A>C), located in coding exon 6 of the BLM gene, results from an A to C substitution at nucleotide position 1676. The aspartic acid at codon 559 is replaced by alanine, an amino acid with dissimilar properties. This amino acid position is conserved. In addition, this alteration is predicted to be tolerated by in silico analysis. Based on the available evidence, the clinical significance of this variant remains unclear.

NM_000057.4(BLM):c.1676A>C (p.Asp559Ala)

Gene: BLM (BLM RecQ like helicase; plus strand). Cytogenetic location: 15q26.1.
Variant type: single nucleotide variant.
Coding change: c.1676A>C on transcript NM_000057.4 (MANE Select); coding-DNA position 1676, A replaced by C.
Protein change: p.Asp559Ala; replaces aspartic acid 559 with alanine.
Molecular consequence: missense variant.
Genome position (GRCh38, 1-based): chr15:90,761,049, A>C. VCF-style: chr15-90761049-A-C. GRCh37 (hg19) VCF-style: chr15-91304279-A-C.
Other names: c.1676A>C, p.Asp559Ala (NM_001287246.2, NM_001287247.2); c.551A>C, p.Asp184Ala (NM_001287248.2); short protein forms D184A, D559A.
Identifiers: ClinVar variation 4211897 (VCV004211897.1).
Genomic context (GRCh38, chr15:90,761,049, plus strand): 5'-CAATAAATGACTTAGAAAGAGAAACCCAACCTTCCTATGATATTGATAATTTTGACATAG[A>C]TGACTTTGATGATGATGATGACTGGGAAGACATAATGCATAATTTAGCAGCCAGCAAATC-3'
Protein context (NP_000048.1, residues 549-569): PSYDIDNFDI[Asp559Ala]DFDDDDDWED